The following is an entry in ClinVar:

ClinVar aggregate classification (germline): Likely benign. Review status: criteria provided, multiple submitters, no conflicts (2 of 4 stars). 5 submissions from 5 submitters: Likely benign (5). Last evaluated 2024-03-02.

Conditions:
Hereditary breast ovarian cancer syndrome. Also called: Hereditary breast and ovarian cancer syndrome; BRCA1- and BRCA2-Associated Hereditary Breast and Ovarian Cancer; Hereditary breast and ovarian cancer; Hereditary breast and/or ovarian cancer syndrome; Hereditary breast and ovarian cancer syndrome (HBOC); Breast and ovarian cancer. Identifiers: Orphanet 145, MedGen C0677776, MeSH D061325, MONDO:0003582. Disease mechanism: loss of function.
Hereditary cancer-predisposing syndrome. Also called: Hereditary Cancer Syndrome; Hereditary neoplastic syndrome; Neoplastic Syndromes, Hereditary; Tumor predisposition. Identifiers: Orphanet 140162, MedGen C0027672, MeSH D009386, MONDO:0015356.

Allele frequency attached by ClinVar (database versions not stated): gnomAD exomes below 0.00001; TOPMed below 0.00001; ExAC 0.00001.

Submissions (5):

Labcorp Genetics (formerly Invitae), Labcorp
Classification: Likely benign for Hereditary breast ovarian cancer syndrome. Last evaluated: 2024-03-02. Review status: criteria provided, single submitter. Criteria: Invitae Variant Classification Sherloc (09022015). Collection method: clinical testing. Allele origin: germline.

Women's Health and Genetics/Laboratory Corporation of America, LabCorp
Classification: Likely benign. Last evaluated: 2022-07-25. Review status: criteria provided, single submitter. Criteria: LabCorp Variant Classification Summary - May 2015. Collection method: clinical testing. Allele origin: germline.

Color Diagnostics, LLC DBA Color Health
Classification: Likely benign for Hereditary cancer-predisposing syndrome. Last evaluated: 2017-10-09. Review status: criteria provided, single submitter. Criteria: ACMG Guidelines, 2015. Collection method: clinical testing. Allele origin: germline.

GeneDx
Classification: Likely benign. Last evaluated: 2017-03-28. Review status: criteria provided, single submitter. Criteria: GeneDx Variant Classification (06012015). Collection method: clinical testing. Allele origin: germline. Affected: yes.
Comment: This variant is considered likely benign or benign based on one or more of the following criteria: it is a conservative change, it occurs at a poorly conserved position in the protein, it is predicted to be benign by multiple in silico algorithms, and/or has population frequency not consistent with disease.

Ambry Genetics
Classification: Likely benign for Hereditary cancer-predisposing syndrome. Last evaluated: 2016-07-15. Review status: criteria provided, single submitter. Criteria: Ambry Variant Classification Scheme 2023. Collection method: clinical testing. Allele origin: germline.

NM_007294.4(BRCA1):c.3003A>G (p.Glu1001=)

Gene: BRCA1 (BRCA1 DNA repair associated; minus strand). Cytogenetic location: 17q21.31.
Variant type: single nucleotide variant.
Coding change: c.3003A>G on transcript NM_007294.4 (MANE Select); coding-DNA position 3003, A replaced by G.
Protein change: p.Glu1001=; no amino-acid change (glutamic acid 1001 retained).
Molecular consequence: synonymous variant. On other transcripts: intron variant (137).
Genome position (GRCh38, 1-based): chr17:43,092,528, T>C on the plus strand (A>G on the coding strand, the complement: BRCA1 is on the minus strand). VCF-style: chr17-43092528-T-C. GRCh37 (hg19) VCF-style: chr17-41244545-T-C.
Other names: c.662-1496A>G (NM_001408434.1, NM_001408448.1, NM_001408446.1 and 6 more transcripts); c.2790A>G, p.Glu930= (NM_001407571.1, NM_001407853.1, NM_001407915.1 and 9 more transcripts); c.785-1496A>G (NM_001408398.1, NM_001407992.1, NM_001408397.1 and 13 more transcripts); c.3000A>G, p.Glu1000= (NM_001407591.1, NM_001407587.1, NM_001407590.1 and 22 more transcripts); c.710-1496A>G (NM_001408411.1, NM_001408414.1, NM_001408412.1 and 2 more transcripts); c.578-1496A>G (NM_001408514.1, NM_001408485.1, NM_001408481.1 and 9 more transcripts); c.3003A>G, p.Glu1001= (NM_001407593.1, NM_001407581.1, NM_001407585.1 and 30 more transcripts); c.665-1496A>G (NM_001408440.1, NM_001408428.1, NM_001408436.1 and 12 more transcripts); and 41 more.
Identifiers: ClinVar variation 388548 (VCV000388548.20), dbSNP rs774644946, ClinGen allele CA058162.